The following is an entry in ClinVar:

ClinVar aggregate classification (germline): Pathogenic (1 of 4 stars; one submission).

Submission:

Labcorp Genetics (formerly Invitae), Labcorp
Classification: Pathogenic. Last evaluated: 2023-09-03. Review status: criteria provided, single submitter. Criteria: Invitae Variant Classification Sherloc (09022015). Collection method: clinical testing. Allele origin: germline.
Comment: For these reasons, this variant has been classified as Pathogenic. This variant has not been reported in the literature in individuals affected with NDUFS6-related conditions. This variant is not present in population databases (gnomAD no frequency). This sequence change creates a premature translational stop signal (p.Gly24Alafs*34) in the NDUFS6 gene. It is expected to result in an absent or disrupted protein product. Loss-of-function variants in NDUFS6 are known to be pathogenic (PMID: 15372108).

Literature cited by the submitters: PubMed 15372108.

NM_004553.6(NDUFS6):c.71del (p.Gly24fs)

Gene: NDUFS6 (NADH:ubiquinone oxidoreductase subunit S6; plus strand). Cytogenetic location: 5p15.33.
Variant type: Deletion.
Coding change: c.71del on transcript NM_004553.6 (MANE Select); coding-DNA position 71, one base deleted (G; older notation c.71delG).
Protein change: p.Gly24fs; shifts the reading frame from glycine 24.
Molecular consequence: frameshift variant.
Genome position (GRCh38, 1-based): chr5:1,801,488, G deleted; the last of 3 consecutive G bases (chr5:1,801,486-1,801,488); deleting any one gives the same sequence. VCF-style (leftmost placement, unchanged base first): chr5-1801485-TG-T. GRCh37 (hg19) VCF-style: chr5-1801599-TG-T.
Other names: short protein forms G24fs.
Identifiers: ClinVar variation 2995456 (VCV002995456.3), dbSNP rs770339741, ClinGen allele CA3187545.